The following is an entry in ClinVar:

NM_004369.4(COL6A3):c.5616G>T (p.Met1872Ile)

Gene: COL6A3 (collagen type VI alpha 3 chain; minus strand). Cytogenetic location: 2q37.3.
Variant type: single nucleotide variant.
Coding change: c.5616G>T on transcript NM_004369.4 (MANE Select); coding-DNA position 5616, G replaced by T.
Protein change: p.Met1872Ile; replaces methionine 1872 with isoleucine.
Molecular consequence: missense variant.
Genome position (GRCh38, 1-based): chr2:237,365,920, C>A on the plus strand (G>T on the coding strand, the complement: COL6A3 is on the minus strand). VCF-style: chr2-237365920-C-A. GRCh37 (hg19) VCF-style: chr2-238274563-C-A.
Other names: c.3795G>T, p.Met1265Ile (NM_057166.5); c.4998G>T, p.Met1666Ile (NM_057167.4); short protein forms M1265I, M1666I, M1872I.
Identifiers: ClinVar variation 4527148 (VCV004527148.1).

ClinVar aggregate classification (germline): Uncertain significance (1 of 4 stars; one submission).

Submission:

GeneDx
Classification: Uncertain significance. Last evaluated: 2025-04-24. Review status: criteria provided, single submitter. Criteria: GeneDx Variant Classification Process June 2021. Collection method: clinical testing. Allele origin: germline. Affected: yes.
Comment: Not observed at significant frequency in large population cohorts (gnomAD); In silico analysis indicates that this missense variant does not alter protein structure/function; Has not been previously published as pathogenic or benign to our knowledge